The following is an entry in ClinVar:

ClinVar aggregate classification (germline): Uncertain significance (1 of 4 stars; one submission).

Conditions:
Inborn genetic diseases. Identifiers: MedGen C0950123, MeSH D030342.

Submission:

Ambry Genetics
Classification: Uncertain significance for Inborn genetic diseases. Last evaluated: 2025-10-05. Review status: criteria provided, single submitter. Criteria: Ambry Variant Classification Scheme 2023. Collection method: clinical testing. Allele origin: germline.
Comment: The p.V303A variant (also known as c.908T>C), located in coding exon 9 of the DDX41 gene, results from a T to C substitution at nucleotide position 908. The valine at codon 303 is replaced by alanine, an amino acid with similar properties. This amino acid position is conserved. In addition, this alteration is predicted to be tolerated by in silico analysis. Based on the available evidence, the clinical significance of this variant remains unclear.

NM_016222.4(DDX41):c.908T>C (p.Val303Ala)

Gene: DDX41 (DEAD-box helicase 41; minus strand). Cytogenetic location: 5q35.3.
Variant type: single nucleotide variant.
Coding change: c.908T>C on transcript NM_016222.4 (MANE Select); coding-DNA position 908, T replaced by C.
Protein change: p.Val303Ala; replaces valine 303 with alanine.
Molecular consequence: missense variant.
Genome position (GRCh38, 1-based): chr5:177,514,728, A>G on the plus strand (T>C on the coding strand, the complement: DDX41 is on the minus strand). VCF-style: chr5-177514728-A-G. GRCh37 (hg19) VCF-style: chr5-176941729-A-G.
Other names: c.530T>C, p.Val177Ala (NM_001321732.2, NM_001321830.2); short protein forms V177A, V303A.
Identifiers: ClinVar variation 4617140 (VCV004617140.1).
Genomic context (GRCh38, chr5:177,514,728, plus strand): 5'-CAGAGGTGGGGGGCAGGGAGCGCCAGCACTCACTGTCGGATGGTCTCCATCTGCTCTTTC[A>G]CGGACATGCCCCCAATGCAGAGGGCGCAGCGCAGGAGTGGTGAGCTGTCCTCCTGCAGCA-3'
Protein context (NP_057306.2, residues 293-313): RCALCIGGMS[Val303Ala]KEQMETIRHG